The following is an entry in ClinVar:

NM_000127.3(EXT1):c.1431dup (p.Ser478fs)

Gene: EXT1 (exostosin glycosyltransferase 1; minus strand). Cytogenetic location: 8q24.11.
Variant type: Duplication.
Coding change: c.1431dup on transcript NM_000127.3 (MANE Select); coding-DNA position 1431, one base duplicated (C; older notation c.1431dupC).
Protein change: p.Ser478fs; shifts the reading frame from serine 478.
Molecular consequence: frameshift variant.
Genome position (GRCh38, 1-based): chr8:117,819,781, G duplicated on the plus strand (C on the coding strand, the reverse complement: EXT1 is on the minus strand); the first of 6 consecutive G bases (chr8:117,819,781-117,819,786); duplicating any one gives the same sequence. VCF-style (leftmost placement, unchanged base first): chr8-117819780-A-AG. GRCh37 (hg19) VCF-style: chr8-118832019-A-AG.
Other names: c.1431dupC (NM_000127.2); short protein forms S478fs.
Identifiers: ClinVar variation 456062 (VCV000456062.17), dbSNP rs1554578798, ClinGen allele CA658657820.

ClinVar aggregate classification (germline): Pathogenic. Review status: criteria provided, multiple submitters, no conflicts (2 of 4 stars). 7 submissions from 7 submitters: Pathogenic (6). 1 of the submissions does not count toward it. Last evaluated 2026-01-26.

Conditions:
Exostoses, multiple, type 1 (EXT1). Also called: Hereditary Multiple Osteochondromatosis, Type I; EXOSTOSES, MULTIPLE, TYPE I. Identifiers: MedGen CN263289, MONDO:0007585, OMIM 133700.
EXT1-related disorder. Also called: EXT1-related condition.
Inborn genetic diseases. Identifiers: MedGen C0950123, MeSH D030342.
Chondrosarcoma. Also called: Chondrosarcoma, somatic. Identifiers: Orphanet 55880, MedGen C0008479, MONDO:0008977, OMIM 215300, HP:0006765.
Multiple congenital exostosis (EXT). Also called: Multiple osteochondromas; MULTIPLE CARTILAGINOUS EXOSTOSES; Hereditary multiple osteochondromas; Hereditary multiple exostoses; Hereditary multiple exostosis; Multiple exostoses. Identifiers: Orphanet 321, MedGen C0015306, MONDO:0005508, HP:0002762.
Neurofibromatosis, type 1 (NF1). Also called: Peripheral type neurofibromatosis; VON RECKLINGHAUSEN DISEASE; NEUROFIBROMATOSIS, TYPE I, SOMATIC; Neurofibromatosis, type I. Identifiers: Orphanet 636, MedGen C0027831, MONDO:0018975, OMIM 162200. Disease mechanism: loss of function.

Submissions (7):

PreventionGenetics, part of Exact Sciences
Classification: Pathogenic for EXT1-related condition. Last evaluated: 2026-01-26. Review status: criteria provided, single submitter. Criteria: ACMG Guidelines, 2015. Collection method: clinical testing. Allele origin: germline.
Comment: The EXT1 c.1431dupC variant is predicted to result in a frameshift and premature protein termination (p.Ser478Leufs*43). This variant has been reported in patients with multiple osteochondromas (for example, see Jennes et al. 2009. PubMed ID: 19810120; Li et al 2018. PubMed ID: 30334991) and/or hereditary multiple exostoses (described as 2077-2082insC, Hecht et al 1997. PubMed ID: 8981950; described as 2077ins1, Raskind et al 1998. PubMed ID: 9521425). This variant has not been reported in a large population database (gnomAD), indicating this variant is rare. Frameshift variants in EXT1 are expected to be pathogenic. This variant is interpreted as pathogenic.

MVZ Martinsried, Medicover Genetics
Classification: Pathogenic for Exostoses, multiple, type 1. Last evaluated: 2025-07-27. Review status: criteria provided, single submitter. Criteria: ACGS Guidelines, 2020. Collection method: clinical testing. Allele origin: unknown. Affected: yes. Observed: 1 heterozygote.

Ambry Genetics
Classification: Pathogenic for Inborn genetic diseases. Last evaluated: 2025-07-22. Review status: criteria provided, single submitter. Criteria: Ambry Variant Classification Scheme 2023. Collection method: clinical testing. Allele origin: germline.
Comment: The c.1431dupC (p.S478Lfs*43) alteration, located in exon 6 (coding exon 6) of the EXT1 gene, consists of a duplication of C at position 1431, causing a translational frameshift with a predicted alternate stop codon after 43 amino acids. This alteration is expected to result in loss of function by premature protein truncation or nonsense-mediated mRNA decay. This variant was not reported in population-based cohorts in the Genome Aggregation Database (gnomAD). This variant was reported in individuals with features consistent with EXT1-related multiple osteochondromas (Li, 2018; Mooij, 2014; Stancheva-Ivanova, 2011). Based on the available evidence, this alteration is classified as pathogenic.

Labcorp Genetics (formerly Invitae), Labcorp
Classification: Pathogenic for Multiple congenital exostosis. Last evaluated: 2023-09-09. Review status: criteria provided, single submitter. Criteria: Invitae Variant Classification Sherloc (09022015). Collection method: clinical testing. Allele origin: germline.
Comment: This variant is not present in population databases (gnomAD no frequency). This sequence change creates a premature translational stop signal (p.Ser478Leufs*43) in the EXT1 gene. It is expected to result in an absent or disrupted protein product. Loss-of-function variants in EXT1 are known to be pathogenic (PMID: 10679937, 11391482, 19810120). This premature translational stop signal has been observed in individuals with chondrosarcoma (PMID: 8981950, 9521425, 19810120, 25468659, 25541963). It has also been observed to segregate with disease in related individuals. For these reasons, this variant has been classified as Pathogenic. ClinVar contains an entry for this variant (Variation ID: 456062). This variant is also known as 2077-2082insC and 2077ins1.

GeneDx
Classification: Pathogenic. Last evaluated: 2020-10-30. Review status: criteria provided, single submitter. Criteria: GeneDx Variant Classification Process June 2021. Collection method: clinical testing. Allele origin: germline. Affected: yes.
Comment: Frameshift variant predicted to result in protein truncation or nonsense mediated decay in a gene for which loss-of-function is a known mechanism of disease; Not observed in large population cohorts (Lek et al., 2016); This variant is associated with the following publications: (PMID: 18373409, 8981950, 17041877, 10679937, 25468659, 19810120, 9521425, 21499719, 25541963, 30334991, 31400121)

Clinical Biomedical Laboratory, Shriners Hospital For Children - Canada
Classification: Pathogenic for Neurofibromatosis, type 1. Review status: criteria provided, single submitter. Criteria: ACMG Guidelines, 2015. Collection method: clinical testing. Allele origin: germline. Affected: yes.
Comment: This variant is predicted to substitute a serine residue by a leucine residue and introduce a stop codon 43 amino acids downstream. This is expected to lead to degradation of the affected transcript and loss of function of the affected allele. This variant is absent from the Genome Aggregation Database (v2.1.1.), indicating it is very rare. This variant has been reported in the literature as a cause of multiple hereditary exostoses 1 multiple times (e.g., PMID 19810120). Based on the ACMG variant interpretation guidelines (criteria: PVS1, PS3, PM2), the available evidence supports classification of this variant as pathogenic.

OMIM
Classification: Pathogenic for CHONDROSARCOMA. Last evaluated: 1997-01-01. Review status: no assertion criteria provided. Collection method: literature only. Allele origin: germline. Not counted in ClinVar's aggregate classification.

Literature cited by the submitters: PubMed 21499719 (cited by Ambry Genetics); PubMed 25468659 (cited by Ambry Genetics and Labcorp Genetics (formerly Invitae), Labcorp); PubMed 30334991 (cited by Ambry Genetics); PubMed 10679937 (cited by Labcorp Genetics (formerly Invitae), Labcorp); PubMed 11391482 (cited by Labcorp Genetics (formerly Invitae), Labcorp); PubMed 19810120 (cited by Labcorp Genetics (formerly Invitae), Labcorp); PubMed 8981950 (cited by Labcorp Genetics (formerly Invitae), Labcorp and OMIM); PubMed 9521425 (cited by Labcorp Genetics (formerly Invitae), Labcorp); PubMed 25541963 (cited by Labcorp Genetics (formerly Invitae), Labcorp).